The following is an entry in ClinVar:

ClinVar aggregate classification (germline): Conflicting classifications of pathogenicity. Review status: criteria provided, conflicting classifications (1 of 4 stars). 5 submissions from 3 submitters: Uncertain significance (2); Benign (2); Likely benign (1). Last evaluated 2025-12-23.

Conditions:
Atypical hemolytic-uremic syndrome with C3 anomaly. Also called: AHUS, SUSCEPTIBILITY TO, 5. Identifiers: Orphanet 2134, MedGen C2752037, MONDO:0013043, OMIM 612925.
Age related macular degeneration 9. Identifiers: MedGen C1969651, MONDO:0012659, OMIM 611378.
Complement component 3 deficiency. Identifiers: Orphanet 280133, MedGen C3151071, MONDO:0013417, OMIM 613779.

Allele frequency attached by ClinVar (database versions not stated): ExAC 0.00012; gnomAD exomes 0.00012; 1000 Genomes Project 30x 0.00016; 1000 Genomes Project 0.00020; gnomAD 0.00030 and 0.00031; ESP Exome Variant Server 0.00031; TOPMed 0.00043.
gnomAD v4.1: 154 of 1,613,848 alleles (0.0095%); highest among the groups gnomAD compares: Middle Eastern, 0.23%; 1 homozygote.

Submissions (5):

Labcorp Genetics (formerly Invitae), Labcorp
Classification: Benign. Last evaluated: 2025-12-23. Review status: criteria provided, single submitter. Criteria: Invitae Variant Classification Sherloc (09022015). Collection method: clinical testing. Allele origin: germline.

Blueprint Genetics
Classification: Likely benign. Last evaluated: 2024-11-14. Review status: criteria provided, single submitter. Criteria: ACMG Guidelines, 2015. Collection method: clinical testing. Allele origin: germline.

Illumina Laboratory Services, Illumina
Classification: Uncertain significance for Complement component 3 deficiency. Last evaluated: 2018-01-13. Review status: criteria provided, single submitter. Criteria: ICSL Variant Classification Criteria 13 December 2019. Collection method: clinical testing. Allele origin: germline.

Illumina Laboratory Services, Illumina
Classification: Uncertain significance for Age related macular degeneration 9. Last evaluated: 2018-01-13. Review status: criteria provided, single submitter. Criteria: ICSL Variant Classification Criteria 13 December 2019. Collection method: clinical testing. Allele origin: germline.

Illumina Laboratory Services, Illumina
Classification: Benign for Atypical hemolytic-uremic syndrome with C3 anomaly. Last evaluated: 2018-01-13. Review status: criteria provided, single submitter. Criteria: ICSL Variant Classification Criteria 13 December 2019. Collection method: clinical testing. Allele origin: germline.
Comment: This variant was observed in the ICSL laboratory as part of a predisposition screen in an ostensibly healthy population. It had not been previously curated by ICSL or reported in the Human Gene Mutation Database (HGMD: prior to June 1st, 2018), and was therefore a candidate for classification through an automated scoring system. Utilizing variant allele frequency, disease prevalence and penetrance estimates, and inheritance mode, an automated score was calculated to assess if this variant is too frequent to cause the disease. Based on the score and internal cut-off values, a variant classified as benign is not then subjected to further curation. The score for this variant resulted in a classification of benign for this disease.

NM_000064.4(C3):c.2799G>A (p.Pro933=)

Gene: C3 (complement C3; minus strand). Cytogenetic location: 19p13.3.
Variant type: single nucleotide variant.
Coding change: c.2799G>A on transcript NM_000064.4 (MANE Select); coding-DNA position 2799, G replaced by A.
Protein change: p.Pro933=; no amino-acid change (proline 933 retained).
Molecular consequence: synonymous variant.
Genome position (GRCh38, 1-based): chr19:6,696,657, C>T on the plus strand (G>A on the coding strand, the complement: C3 is on the minus strand). VCF-style: chr19-6696657-C-T. GRCh37 (hg19) VCF-style: chr19-6696668-C-T.
Other names: c.2799G>A (LRG_27t1).
Identifiers: ClinVar variation 330299 (VCV000330299.14), dbSNP rs149209011, ClinGen allele CA9128960.